The following is an entry in ClinVar:

NM_172364.5(CACNA2D4):c.3309+3G>A

Gene: CACNA2D4 (calcium voltage-gated channel auxiliary subunit alpha2delta 4; minus strand). Cytogenetic location: 12p13.33.
Variant type: single nucleotide variant.
Coding change: c.3309+3G>A on transcript NM_172364.5 (MANE Select); 3 bases into the intron after coding-DNA position 3309, G replaced by A.
Molecular consequence: intron variant.
Genome position (GRCh38, 1-based): chr12:1,795,296, C>T on the plus strand (G>A on the coding strand, the complement: CACNA2D4 is on the minus strand). VCF-style: chr12-1795296-C-T. GRCh37 (hg19) VCF-style: chr12-1904462-C-T.
Identifiers: ClinVar variation 2044128 (VCV002044128.4), dbSNP rs2497678115, ClinGen allele CA2580085098.

ClinVar aggregate classification (germline): Uncertain significance (1 of 4 stars; one submission).

Allele frequency attached by ClinVar (database versions not stated): gnomAD exomes below 0.00001.
gnomAD v4.1: 2 of 1,613,206 alleles (0.00012%); highest among the groups gnomAD compares: Non-Finnish European, 0.000085%; no homozygotes.

Submission:

Labcorp Genetics (formerly Invitae), Labcorp
Classification: Uncertain significance. Last evaluated: 2021-12-15. Review status: criteria provided, single submitter. Criteria: Invitae Variant Classification Sherloc (09022015). Collection method: clinical testing. Allele origin: germline.
Comment: This sequence change falls in intron 37 of the CACNA2D4 gene. It does not directly change the encoded amino acid sequence of the CACNA2D4 protein. It affects a nucleotide within the consensus splice site. This variant is not present in population databases (gnomAD no frequency). This variant has not been reported in the literature in individuals affected with CACNA2D4-related conditions. Variants that disrupt the consensus splice site are a relatively common cause of aberrant splicing (PMID: 17576681, 9536098). Algorithms developed to predict the effect of sequence changes on RNA splicing suggest that this variant is not likely to affect RNA splicing. In summary, the available evidence is currently insufficient to determine the role of this variant in disease. Therefore, it has been classified as a Variant of Uncertain Significance.

Literature cited by the submitters: PubMed 17576681; PubMed 9536098.